The following is an entry in ClinVar:

ClinVar aggregate classification (germline): Conflicting classifications of pathogenicity. Review status: criteria provided, conflicting classifications (1 of 4 stars). 8 submissions from 7 submitters: Uncertain significance (2); Benign (2); Likely benign (4). Last evaluated 2026-01-19.

Conditions:
Autosomal recessive ataxia, Beauce type. Also called: SYNE1-Related Autosomal Recessive Cerebellar Ataxia; ATAXIA, RECESSIVE, OF BEAUCE; SYNE1 Deficiency; Spinocerebellar ataxia, autosomal recessive 8. Identifiers: Orphanet 88644, MedGen C1853116, MONDO:0012549, OMIM 610743.
Emery-Dreifuss muscular dystrophy 4, autosomal dominant (EDMD4). Also called: EMERY-DREIFUSS MUSCULAR DYSTROPHY 4 WITH VARIABLE FEATURES. Identifiers: Orphanet 261, MedGen C2751807, MONDO:0013071, OMIM 612998.

Allele frequency attached by ClinVar (database versions not stated): 1000 Genomes Project 30x 0.00016; 1000 Genomes Project 0.00020; gnomAD 0.00038 and 0.00040; gnomAD exomes 0.00042 and 0.00061; TOPMed 0.00057; ExAC 0.00066; ESP Exome Variant Server 0.00085.
gnomAD v4.1: 727 of 1,613,846 alleles (0.045%); highest among the groups gnomAD compares: Middle Eastern, 0.97%; 2 homozygotes.

Submissions (8):

Labcorp Genetics (formerly Invitae), Labcorp
Classification: Likely benign for Emery-Dreifuss muscular dystrophy 4, autosomal dominant; Autosomal recessive ataxia, Beauce type. Last evaluated: 2026-01-19. Review status: criteria provided, single submitter. Criteria: Invitae Variant Classification Sherloc (09022015). Collection method: clinical testing. Allele origin: germline.

CeGaT Center for Human Genetics Tuebingen
Classification: Likely benign. Last evaluated: 2026-01-01. Review status: criteria provided, single submitter. Criteria: CeGaT Center For Human Genetics Tuebingen Variant Classification Criteria Version 2. Collection method: clinical testing. Allele origin: germline. Affected: yes. Observed: 1 variant allele.
Comment: SYNE1: BP4, BP7

Blueprint Genetics
Classification: Likely benign. Last evaluated: 2024-11-25. Review status: criteria provided, single submitter. Criteria: ACMG Guidelines, 2015. Collection method: clinical testing. Allele origin: germline.

GeneDx
Classification: Likely benign. Last evaluated: 2020-05-27. Review status: criteria provided, single submitter. Criteria: GeneDx Variant Classification Process June 2021. Collection method: clinical testing. Allele origin: germline. Affected: yes.

Athena Diagnostics
Classification: Benign. Last evaluated: 2019-03-22. Review status: criteria provided, single submitter. Criteria: Athena Diagnostics Criteria. Collection method: clinical testing. Allele origin: germline.

Eurofins Ntd Llc (ga)
Classification: Uncertain significance. Last evaluated: 2018-06-08. Review status: criteria provided, single submitter. Criteria: EGL ClinVar v180209 classification definitions. Collection method: clinical testing. Allele origin: germline. Observed: 9 variant alleles, 9 heterozygotes.

Illumina Laboratory Services, Illumina
Classification: Benign for Emery-Dreifuss muscular dystrophy 4, autosomal dominant. Last evaluated: 2018-01-12. Review status: criteria provided, single submitter. Criteria: ICSL Variant Classification Criteria 13 December 2019. Collection method: clinical testing. Allele origin: germline.
Comment: This variant was observed in the ICSL laboratory as part of a predisposition screen in an ostensibly healthy population. It had not been previously curated by ICSL or reported in the Human Gene Mutation Database (HGMD: prior to June 1st, 2018), and was therefore a candidate for classification through an automated scoring system. Utilizing variant allele frequency, disease prevalence and penetrance estimates, and inheritance mode, an automated score was calculated to assess if this variant is too frequent to cause the disease. Based on the score and internal cut-off values, a variant classified as benign is not then subjected to further curation. The score for this variant resulted in a classification of benign for this disease.

Illumina Laboratory Services, Illumina
Classification: Uncertain significance for Autosomal recessive ataxia, Beauce type. Last evaluated: 2018-01-12. Review status: criteria provided, single submitter. Criteria: ICSL Variant Classification Criteria 13 December 2019. Collection method: clinical testing. Allele origin: germline.

NM_182961.4(SYNE1):c.12564C>T (p.Ser4188=)

Gene: SYNE1 (spectrin repeat containing nuclear envelope protein 1; minus strand). Cytogenetic location: 6q25.2.
Variant type: single nucleotide variant.
Coding change: c.12564C>T on transcript NM_182961.4 (MANE Select); coding-DNA position 12564, C replaced by T.
Protein change: p.Ser4188=; no amino-acid change (serine 4188 retained).
Molecular consequence: synonymous variant.
Genome position (GRCh38, 1-based): chr6:152,334,238, G>A on the plus strand (C>T on the coding strand, the complement: SYNE1 is on the minus strand). VCF-style: chr6-152334238-G-A. GRCh37 (hg19) VCF-style: chr6-152655373-G-A.
Other names: c.12351C>T, p.Ser4117= (NM_033071.5).
Identifiers: ClinVar variation 198667 (VCV000198667.27), dbSNP rs141202420, ClinGen allele CA247454.